The following is an entry in ClinVar:

NM_004082.5(DCTN1):c.1928G>A (p.Arg643Gln)

Gene: DCTN1 (dynactin subunit 1; minus strand). Cytogenetic location: 2p13.1.
Variant type: single nucleotide variant.
Coding change: c.1928G>A on transcript NM_004082.5 (MANE Select); coding-DNA position 1928, G replaced by A.
Protein change: p.Arg643Gln; replaces arginine 643 with glutamine.
Molecular consequence: missense variant. On other transcripts: non-coding transcript variant (1).
Genome position (GRCh38, 1-based): chr2:74,368,058, C>T on the plus strand (G>A on the coding strand, the complement: DCTN1 is on the minus strand). VCF-style: chr2-74368058-C-T. GRCh37 (hg19) VCF-style: chr2-74595185-C-T.
Other names: c.1868G>A, p.Arg623Gln (NM_001135040.3); c.1526G>A, p.Arg509Gln (NM_001135041.3, NM_023019.4); c.1817G>A, p.Arg606Gln (NM_001190836.2); c.1907G>A, p.Arg636Gln (NM_001190837.2); c.1877G>A, p.Arg626Gln (NM_001378991.1); c.1859G>A, p.Arg620Gln (NM_001378992.1); short protein forms R509Q, R606Q, R643Q, R623Q, R636Q, R620Q, R626Q.
Identifiers: ClinVar variation 468260 (VCV000468260.9), dbSNP rs555733849, ClinGen allele CA347352280.

ClinVar aggregate classification (germline): Uncertain significance (1 of 4 stars; one submission).

Conditions:
Amyotrophic lateral sclerosis type 1 (ALS1). Also called: AMYOTROPHIC LATERAL SCLEROSIS 1, FAMILIAL. Identifiers: Orphanet 803, MedGen C1862939, MONDO:0007103, OMIM 105400.
Perry syndrome. Also called: PARKINSONISM WITH ALVEOLAR HYPOVENTILATION AND MENTAL DEPRESSION. Identifiers: Orphanet 178509, MedGen C1868594, MONDO:0008201, OMIM 168605.
Neuronopathy, distal hereditary motor, type 7B. Also called: Distal Hereditary Motor Neuronopathy Type 7B (dHMN7B); HMN VIIB; LOWER MOTOR NEURON DISEASE, DYNACTIN TYPE; NEURONOPATHY, DISTAL HEREDITARY MOTOR, AUTOSOMAL DOMINANT 14; NEURONOPATHY, DISTAL HEREDITARY MOTOR, HARDING TYPE VIIB; NEUROPATHY, DISTAL HEREDITARY MOTOR, HARDING TYPE VIIB. Identifiers: Orphanet 139589, MedGen C1843315, MONDO:0011879, OMIM 607641.

gnomAD v4.1: 7 of 1,613,474 alleles (0.00043%); highest among the groups gnomAD compares: East Asian, 0.0045%; no homozygotes.

Submission:

Labcorp Genetics (formerly Invitae), Labcorp
Classification: Uncertain significance for Amyotrophic lateral sclerosis type 1; Neuronopathy, distal hereditary motor, type 7B; Perry syndrome. Last evaluated: 2016-12-16. Review status: criteria provided, single submitter. Criteria: Invitae Variant Classification Sherloc (09022015). Collection method: clinical testing. Allele origin: germline.
Comment: In summary, this variant is a novel missense change with uncertain impact on protein function. It has been classified as a Variant of Uncertain Significance. Algorithms developed to predict the effect of missense changes on protein structure and function (SIFT, PolyPhen-2, Align-GVGD) all suggest that this variant is likely to be disruptive, but these predictions have not been confirmed by published functional studies. This variant is not present in population databases (ExAC no frequency) and has not been reported in the literature in individuals with a DCTN1-related disease. This sequence change replaces arginine with glutamine at codon 643 of the DCTN1 protein (p.Arg643Gln). The arginine residue is highly conserved and there is a small physicochemical difference between arginine and glutamine.